The following is an entry in ClinVar:

NM_001128431.4(SLC39A14):c.195A>G (p.Leu65=)

Gene: SLC39A14 (solute carrier family 39 member 14; plus strand). Cytogenetic location: 8p21.3.
Variant type: single nucleotide variant.
Coding change: c.195A>G on transcript NM_001128431.4 (MANE Select); coding-DNA position 195, A replaced by G.
Protein change: p.Leu65=; no amino-acid change (leucine 65 retained).
Molecular consequence: synonymous variant.
Genome position (GRCh38, 1-based): chr8:22,404,905, A>G. VCF-style: chr8-22404905-A-G. GRCh37 (hg19) VCF-style: chr8-22262418-A-G.
Other names: p.Leu65=; c.195A>G, p.Leu65= (NM_001135153.3, NM_001135154.3, NM_001351655.2 and 3 more transcripts); c.225A>G, p.Leu75= (NM_001351657.2, NM_001351658.2, NM_001351659.2).
Identifiers: ClinVar variation 1241953 (VCV001241953.17), dbSNP rs2293144, ClinGen allele CA4667237.

ClinVar aggregate classification (germline): Benign. Review status: criteria provided, multiple submitters, no conflicts (2 of 4 stars). 8 submissions from 7 submitters: Benign (8). Last evaluated 2026-02-04.

Conditions:
Hyperostosis cranialis interna. Also called: Hyperostosis cranalis interna. Identifiers: Orphanet 443098, MedGen C1840404, MONDO:0007765, OMIM 144755, HP:0005890.
Hypermanganesemia with dystonia 2 (HMNDYT2). Also called: SLC39A14 Deficiency. Identifiers: Orphanet 521406, MedGen C4310765, MONDO:0014864, OMIM 617013.

Allele frequency attached by ClinVar (database versions not stated): gnomAD exomes 0.54845; ExAC 0.55326; ESP Exome Variant Server 0.57404; gnomAD 0.58765 and 0.58869; TOPMed 0.59443; 1000 Genomes Project 0.67472; 1000 Genomes Project 30x 0.67786.
gnomAD v4.1: 814,301 of 1,613,560 alleles (50%); highest among the groups gnomAD compares: African/African-American, 79%; 211,717 homozygotes.

Submissions (8):

Labcorp Genetics (formerly Invitae), Labcorp
Classification: Benign. Last evaluated: 2026-02-04. Review status: criteria provided, single submitter. Criteria: Invitae Variant Classification Sherloc (09022015). Collection method: clinical testing. Allele origin: germline.

Blueprint Genetics
Classification: Benign. Last evaluated: 2024-11-27. Review status: criteria provided, single submitter. Criteria: ACMG Guidelines, 2015. Collection method: clinical testing. Allele origin: germline.

Unidad de Genómica Garrahan, Hospital de Pediatría Garrahan
Classification: Benign. Last evaluated: 2024-07-31. Review status: criteria provided, single submitter. Criteria: ACMG Guidelines, 2015. Collection method: clinical testing. Allele origin: germline. Affected: no. Observed: 75 variant alleles.
Comment: This variant is classified as Benign based on local population frequency. This variant was detected in 81% of patients studied in a panel designed for Epileptic and Developmental Encephalopathy, Progressive Myoclonus Epilepsy and Abnormal Movements and Neurodegeneration with brain iron accumulation. Number of patients: 75. Only high quality variants are reported.

Mayo Clinic Laboratories, Mayo Clinic
Classification: Benign. Last evaluated: 2022-03-24. Review status: criteria provided, single submitter. Criteria: ACMG Guidelines, 2015. Collection method: clinical testing. Allele origin: germline. Observed: 454 variant alleles.

Genome-Nilou Lab
Classification: Benign for Hyperostosis cranialis interna. Last evaluated: 2021-07-15. Review status: criteria provided, single submitter. Criteria: ACMG Guidelines, 2015. Collection method: clinical testing. Allele origin: germline. Affected: no.

Genome-Nilou Lab
Classification: Benign for Hypermanganesemia with dystonia 2. Last evaluated: 2021-07-15. Review status: criteria provided, single submitter. Criteria: ACMG Guidelines, 2015. Collection method: clinical testing. Allele origin: germline. Affected: no.

GeneDx
Classification: Benign. Last evaluated: 2021-05-04. Review status: criteria provided, single submitter. Criteria: GeneDx Variant Classification Process June 2021. Collection method: clinical testing. Allele origin: germline. Affected: yes.

Breakthrough Genomics
Classification: Benign. Review status: criteria provided, single submitter. Criteria: ACMG Guidelines, 2015. Collection method: not provided. Allele origin: germline. Inheritance: Autosomal recessive inheritance. Affected: yes.